The following is an entry in ClinVar:

ClinVar aggregate classification (germline): Conflicting classifications of pathogenicity. Review status: criteria provided, conflicting classifications (1 of 4 stars). 9 submissions from 7 submitters: Uncertain significance (5); Benign (3). 1 of the submissions does not count toward it. Last evaluated 2024-11-19.

Conditions:
Acute febrile neutrophilic dermatosis (AFND). Also called: Sweet Syndrome; Gomm Button disease. Identifiers: Orphanet 3243, MedGen C0085077, MONDO:0011959, OMIM 608068.
Familial Mediterranean fever (FMF). Also called: POLYSEROSITIS, FAMILIAL PAROXYSMAL; POLYSEROSITIS, RECURRENT; Periodic peritonitis; Benign paroxysmal peritonitis. Identifiers: Orphanet 342, MedGen C0031069, MONDO:0018088, OMIM 249100. Disease mechanism: gain of function.
Familial Mediterranean fever, autosomal dominant. Also called: FMF, AUTOSOMAL DOMINANT; Dominant Familial Mediterranean Fever. Identifiers: Orphanet 342, MedGen C1851347, MONDO:0007601, OMIM 134610.
Autoinflammatory syndrome. Identifiers: Orphanet 93665, MedGen C3890737, MONDO:0019751.

Allele frequency attached by ClinVar (database versions not stated): TOPMed 0.00005.
gnomAD v4.1: 58 of 1,613,940 alleles (0.0036%); highest among the groups gnomAD compares: Non-Finnish European, 0.0047%; no homozygotes.

Submissions (9):

Labcorp Genetics (formerly Invitae), Labcorp
Classification: Uncertain significance for Familial Mediterranean fever. Last evaluated: 2024-11-19. Review status: criteria provided, single submitter. Criteria: Invitae Variant Classification Sherloc (09022015). Collection method: clinical testing. Allele origin: germline.
Comment: This sequence change replaces arginine, which is basic and polar, with leucine, which is neutral and non-polar, at codon 408 of the MEFV protein (p.Arg408Leu). This variant is present in population databases (no rsID available, gnomAD 0.006%). This variant has not been reported in the literature in individuals affected with MEFV-related conditions. ClinVar contains an entry for this variant (Variation ID: 457995). An algorithm developed to predict the effect of missense changes on protein structure and function (PolyPhen-2) suggests that this variant is likely to be disruptive. In summary, the available evidence is currently insufficient to determine the role of this variant in disease. Therefore, it has been classified as a Variant of Uncertain Significance.

Genome-Nilou Lab
Classification: Benign for Familial Mediterranean fever. Last evaluated: 2023-02-08. Review status: criteria provided, single submitter. Criteria: ACMG Guidelines, 2015. Collection method: clinical testing. Allele origin: germline.

Genome-Nilou Lab
Classification: Benign for Familial Mediterranean fever, autosomal dominant. Last evaluated: 2023-02-08. Review status: criteria provided, single submitter. Criteria: ACMG Guidelines, 2015. Collection method: clinical testing. Allele origin: germline.

Genome-Nilou Lab
Classification: Benign for Acute febrile neutrophilic dermatosis. Last evaluated: 2023-02-08. Review status: criteria provided, single submitter. Criteria: ACMG Guidelines, 2015. Collection method: clinical testing. Allele origin: germline.

Fulgent Genetics
Classification: Uncertain significance for Familial Mediterranean fever, autosomal dominant; Familial Mediterranean fever; Acute febrile neutrophilic dermatosis. Last evaluated: 2021-07-06. Review status: criteria provided, single submitter. Criteria: ACMG Guidelines, 2015. Collection method: clinical testing. Allele origin: unknown.

GeneDx
Classification: Uncertain significance. Last evaluated: 2019-07-29. Review status: criteria provided, single submitter. Criteria: GeneDx Variant Classification Process June 2021. Collection method: clinical testing. Allele origin: germline. Affected: yes.
Comment: In silico analysis, which includes protein predictors and evolutionary conservation, supports a deleterious effect; Has not been previously published as pathogenic or benign to our knowledge

Genome Diagnostics Laboratory, The Hospital for Sick Children
Classification: Uncertain significance for Autoinflammatory syndrome. Last evaluated: 2019-01-01. Review status: criteria provided, single submitter. Criteria: ACMG Guidelines, 2015. Collection method: clinical testing. Allele origin: germline. Affected: yes.

Illumina Laboratory Services, Illumina
Classification: Uncertain significance for Familial Mediterranean fever. Last evaluated: 2017-04-27. Review status: criteria provided, single submitter. Criteria: ICSL Variant Classification Criteria 13 December 2019. Collection method: clinical testing. Allele origin: germline.

Natera, Inc.
Classification: Uncertain significance for Familial Mediterranean fever. Last evaluated: 2019-10-28. Review status: no assertion criteria provided. Collection method: clinical testing. Allele origin: germline. Not counted in ClinVar's aggregate classification.

NM_000243.3(MEFV):c.1223G>T (p.Arg408Leu)

Gene: MEFV (MEFV innate immunity regulator, pyrin; minus strand). Cytogenetic location: 16p13.3.
Variant type: single nucleotide variant.
Coding change: c.1223G>T on transcript NM_000243.3 (MANE Select); coding-DNA position 1223, G replaced by T.
Protein change: p.Arg408Leu; replaces arginine 408 with leucine.
Molecular consequence: missense variant.
Genome position (GRCh38, 1-based): chr16:3,249,468, C>A on the plus strand (G>T on the coding strand, the complement: MEFV is on the minus strand). VCF-style: chr16-3249468-C-A. GRCh37 (hg19) VCF-style: chr16-3299468-C-A.
Other names: c.590G>T, p.Arg197Leu (NM_001198536.2); short protein forms R408L, R197L.
Identifiers: ClinVar variation 457995 (VCV000457995.20), dbSNP rs11466024, ClinGen allele CA394469353.